The following is an entry in ClinVar:

NM_001942.4(DSG1):c.1544A>G (p.Tyr515Cys)

Gene: DSG1 (desmoglein 1; plus strand). Cytogenetic location: 18q12.1.
Variant type: single nucleotide variant.
Coding change: c.1544A>G on transcript NM_001942.4 (MANE Select); coding-DNA position 1544, A replaced by G.
Protein change: p.Tyr515Cys; replaces tyrosine 515 with cysteine.
Molecular consequence: missense variant.
Genome position (GRCh38, 1-based): chr18:31,339,882, A>G. VCF-style: chr18-31339882-A-G. GRCh37 (hg19) VCF-style: chr18-28919845-A-G.
Other names: short protein forms Y515C.
Identifiers: ClinVar variation 1522121 (VCV001522121.8), dbSNP rs770350552, ClinGen allele CA8926105.

ClinVar aggregate classification (germline): Uncertain significance (1 of 4 stars; one submission).

Allele frequency attached by ClinVar (database versions not stated): gnomAD exomes below 0.00001; TOPMed below 0.00001; ExAC 0.00001; gnomAD 0.00001.
gnomAD v4.1: 8 of 1,614,024 alleles (0.0005%); highest among the groups gnomAD compares: East Asian, 0.0022%; no homozygotes.

Submission:

Labcorp Genetics (formerly Invitae), Labcorp
Classification: Uncertain significance. Last evaluated: 2021-02-18. Review status: criteria provided, single submitter. Criteria: Invitae Variant Classification Sherloc (09022015). Collection method: clinical testing. Allele origin: germline.
Comment: This sequence change replaces tyrosine with cysteine at codon 515 of the DSG1 protein (p.Tyr515Cys). The tyrosine residue is weakly conserved and there is a large physicochemical difference between tyrosine and cysteine. This variant is present in population databases (rs770350552, ExAC 0.001%). This variant has not been reported in the literature in individuals with DSG1-related conditions. Algorithms developed to predict the effect of missense changes on protein structure and function (SIFT, PolyPhen-2, Align-GVGD) all suggest that this variant is likely to be tolerated, but these predictions have not been confirmed by published functional studies and their clinical significance is uncertain. In summary, the available evidence is currently insufficient to determine the role of this variant in disease. Therefore, it has been classified as a Variant of Uncertain Significance.